The following is an entry in ClinVar:

NM_000138.5(FBN1):c.7106G>C (p.Arg2369Thr)

Gene: FBN1 (fibrillin 1; minus strand). Cytogenetic location: 15q21.1.
Variant type: single nucleotide variant.
Coding change: c.7106G>C on transcript NM_000138.5 (MANE Select); coding-DNA position 7106, G replaced by C.
Protein change: p.Arg2369Thr; replaces arginine 2369 with threonine.
Molecular consequence: missense variant.
Genome position (GRCh38, 1-based): chr15:48,427,665, C>G on the plus strand (G>C on the coding strand, the complement: FBN1 is on the minus strand). VCF-style: chr15-48427665-C-G. GRCh37 (hg19) VCF-style: chr15-48719862-C-G.
Other names: c.7106G>C, p.Arg2369Thr (NM_001406716.1); short protein forms R2369T.
Identifiers: ClinVar variation 3074261 (VCV003074261.1), dbSNP rs2505412359, ClinGen allele CA392329766.

ClinVar aggregate classification (germline): Uncertain significance (1 of 4 stars; one submission).

Conditions:
Marfan syndrome (MFS). Also called: MARFAN SYNDROME, TYPE I; Marfan syndrome type 1; Marfan's syndrome; Marfan syndrome, classic; FBN1-Related Marfan Syndrome. Identifiers: Orphanet 284963, Orphanet 558, MedGen C0024796, MONDO:0007947, OMIM 154700.

Submission:

All of Us Research Program, National Institutes of Health
Classification: Uncertain significance for Marfan syndrome. Last evaluated: 2023-12-01. Review status: criteria provided, single submitter. Criteria: ACMG Guidelines, 2015. Collection method: clinical testing. Allele origin: germline. Inheritance: Autosomal dominant inheritance. Observed: 1 variant allele, 1 heterozygote.
Comment: This study involves interpretation of variants in research participants for the purpose of population health screening. Participant phenotype was not available at the time of variant classification. Additional details can be found in publication PMID: 35346344, PMCID: PMC8962531